The following is an entry in ClinVar:

ClinVar aggregate classification (germline): Likely pathogenic (1 of 4 stars; one submission).

Conditions:
Glanzmann thrombasthenia. Also called: PLATELET GLYCOPROTEIN IIb-IIIa DEFICIENCY; Thrombasthenia; Glanzmann's thrombasthenia; BLEEDING DISORDER, PLATELET-TYPE, 2; THROMBASTHENIA OF GLANZMANN AND NAEGELI. Identifiers: Orphanet 849, MedGen C0040015, MONDO:0100326.

Submission:

Laboratory for Molecular Medicine, Mass General Brigham Personalized Medicine
Classification: Likely pathogenic for Glanzmann thrombasthenia. Last evaluated: 2023-02-02. Review status: criteria provided, single submitter. Criteria: ACMG Guidelines, 2015. Collection method: clinical testing. Allele origin: germline.
Comment: The p.Tyr196X variant in ITGA2B has not been reported in individuals with Glanzmann's thrombasthenia and was absent in large population databases. This nonsense variant leads to a premature termination codon at position 196, which is predicted to lead to a truncated or absent protein. Loss of function of the ITGA2B gene is an established disease mechanism in autosomal recessive Glanzmann's thrombasthenia. In summary, although additional studies are required to fully establish its clinical significance, this variant meets criteria to be classified as likely pathogenic for autosomal recessive Glanzmann's thrombastheniae. ACMG/AMP Criteria applied: PVS1, PM2_P.

NM_000419.5(ITGA2B):c.591C>G (p.Tyr197Ter)

Gene: ITGA2B (integrin subunit alpha 2b; minus strand). Cytogenetic location: 17q21.31.
Variant type: single nucleotide variant.
Coding change: c.591C>G on transcript NM_000419.5 (MANE Select); coding-DNA position 591, C replaced by G.
Protein change: p.Tyr197Ter; replaces tyrosine 197 with a stop codon.
Molecular consequence: nonsense.
Genome position (GRCh38, 1-based): chr17:44,385,319, G>C on the plus strand (C>G on the coding strand, the complement: ITGA2B is on the minus strand). VCF-style: chr17-44385319-G-C. GRCh37 (hg19) VCF-style: chr17-42462687-G-C.
Other names: short protein forms Y197*.
Identifiers: ClinVar variation 3075922 (VCV003075922.1), dbSNP rs1210788594, ClinGen allele CA399805637.